The following is an entry in ClinVar:

NM_000466.3(PEX1):c.1647T>A (p.Pro549=)

Gene: PEX1 (peroxisomal biogenesis factor 1; minus strand). Cytogenetic location: 7q21.2.
Variant type: single nucleotide variant.
Coding change: c.1647T>A on transcript NM_000466.3 (MANE Select); coding-DNA position 1647, T replaced by A.
Protein change: p.Pro549=; no amino-acid change (proline 549 retained).
Molecular consequence: synonymous variant.
Genome position (GRCh38, 1-based): chr7:92,509,352, A>T on the plus strand (T>A on the coding strand, the complement: PEX1 is on the minus strand). VCF-style: chr7-92509352-A-T. GRCh37 (hg19) VCF-style: chr7-92138666-A-T.
Other names: c.1647T>A, p.Pro549= (NM_001282677.2); c.1023T>A, p.Pro341= (NM_001282678.2).
Identifiers: ClinVar variation 2001647 (VCV002001647.4), dbSNP rs2484681990, ClinGen allele CA456483652.

ClinVar aggregate classification (germline): Uncertain significance (1 of 4 stars; one submission).

Conditions:
Zellweger spectrum disorders (ZS). Also called: Zellweger Spectrum Disorder (ZSD); Zellweger syndrome; Zellweger Spectrum Disorder; Zellweger Spectrum. Identifiers: Orphanet 912, MedGen C0043459, MONDO:0019609.

Submission:

Labcorp Genetics (formerly Invitae), Labcorp
Classification: Uncertain significance for Zellweger spectrum disorders. Last evaluated: 2022-06-17. Review status: criteria provided, single submitter. Criteria: Invitae Variant Classification Sherloc (09022015). Collection method: clinical testing. Allele origin: germline.
Comment: In summary, the available evidence is currently insufficient to determine the role of this variant in disease. Therefore, it has been classified as a Variant of Uncertain Significance. Algorithms developed to predict the effect of sequence changes on RNA splicing suggest that this variant may create or strengthen a splice site. This variant has not been reported in the literature in individuals affected with PEX1-related conditions. This variant is not present in population databases (gnomAD no frequency). This sequence change affects codon 549 of the PEX1 mRNA. It is a 'silent' change, meaning that it does not change the encoded amino acid sequence of the PEX1 protein.